The following is an entry in ClinVar:

NM_152564.5(VPS13B):c.8361+18A>G

Gene: VPS13B (vacuolar protein sorting 13 homolog B; plus strand). Cytogenetic location: 8q22.2.
Variant type: single nucleotide variant.
Coding change: c.8361+18A>G on transcript NM_152564.5 (MANE Select); 18 bases into the intron after coding-DNA position 8361, A replaced by G.
Molecular consequence: intron variant.
Genome position (GRCh38, 1-based): chr8:99,817,821, A>G. VCF-style: chr8-99817821-A-G. GRCh37 (hg19) VCF-style: chr8-100830049-A-G.
Other names: c.8436+18A>G (NM_017890.5); c.8361+18A>G (NM_152564.4).
Identifiers: ClinVar variation 1642861 (VCV001642861.9), dbSNP rs1301774020, ClinGen allele CA583870135.

ClinVar aggregate classification (germline): Likely benign. Review status: criteria provided, single submitter (1 of 4 stars). 2 submissions from 2 submitters: Likely benign (1). 1 of the submissions does not count toward it. Last evaluated 2025-12-15.

Conditions:
VPS13B-related disorder. Also called: VPS13B-related condition.
Cohen syndrome (COH1). Also called: Cutis verticis gyrata, retinitis pigmentosa, and sensorineural deafness; PEPPER SYNDROME. Identifiers: Orphanet 193, MedGen C0265223, MONDO:0008999, OMIM 216550.

Allele frequency attached by ClinVar (database versions not stated): gnomAD exomes below 0.00001; TOPMed below 0.00001.
gnomAD v4.1: 6 of 1,614,014 alleles (0.00037%); highest among the groups gnomAD compares: African/African-American, 0.0013%; no homozygotes.

Submissions (2):

Labcorp Genetics (formerly Invitae), Labcorp
Classification: Likely benign for Cohen syndrome. Last evaluated: 2025-12-15. Review status: criteria provided, single submitter. Criteria: Invitae Variant Classification Sherloc (09022015). Collection method: clinical testing. Allele origin: germline.

PreventionGenetics, part of Exact Sciences
Classification: Likely benign for VPS13B-related condition. Last evaluated: 2023-06-20. Review status: no assertion criteria provided. Collection method: clinical testing. Allele origin: germline. Not counted in ClinVar's aggregate classification.
Comment: This variant is classified as likely benign based on ACMG/AMP sequence variant interpretation guidelines (Richards et al. 2015 PMID: 25741868, with internal and published modifications).